The following is an entry in ClinVar:

NM_000388.4(CASR):c.3112G>T (p.Gly1038Ter)

Gene: CASR (calcium sensing receptor; plus strand). Cytogenetic location: 3q21.1.
Variant type: single nucleotide variant.
Coding change: c.3112G>T on transcript NM_000388.4 (MANE Select); coding-DNA position 3112, G replaced by T.
Protein change: p.Gly1038Ter; replaces glycine 1038 with a stop codon.
Molecular consequence: nonsense.
Genome position (GRCh38, 1-based): chr3:122,285,066, G>T. VCF-style: chr3-122285066-G-T. GRCh37 (hg19) VCF-style: chr3-122003913-G-T.
Other names: c.3142G>T, p.Gly1048Ter (NM_001178065.2); short protein forms G1048*, G1038*.
Identifiers: ClinVar variation 1374045 (VCV001374045.8), dbSNP rs764032437, ClinGen allele CA354161457.

ClinVar aggregate classification (germline): Uncertain significance (1 of 4 stars; one submission).

Conditions:
Familial hypocalciuric hypercalcemia (FHH). Also called: Familial benign hypercalcemia. Identifiers: Orphanet 405, MedGen C1809471, MONDO:0018458.
Autosomal dominant hypocalcemia 1 (HYPOC1). Also called: HYPOCALCEMIA, FAMILIAL. Identifiers: MedGen C3715128, MONDO:0011013, OMIM 601198.

Submission:

Labcorp Genetics (formerly Invitae), Labcorp
Classification: Uncertain significance for Familial hypocalciuric hypercalcemia; Autosomal dominant hypocalcemia 1. Last evaluated: 2021-02-22. Review status: criteria provided, single submitter. Criteria: Invitae Variant Classification Sherloc (09022015). Collection method: clinical testing. Allele origin: germline.
Comment: This sequence change creates a premature translational stop signal (p.Gly1038*) in the CASR gene. While this is not anticipated to result in nonsense mediated decay, it is expected to disrupt the last 41 amino acid(s) of the CASR protein. This variant is not present in population databases (ExAC no frequency). This variant has not been reported in the literature in individuals with CASR-related conditions. Experimental studies and prediction algorithms are not available or were not evaluated, and the functional significance of this variant is currently unknown. In summary, the available evidence is currently insufficient to determine the role of this variant in disease. Therefore, it has been classified as a Variant of Uncertain Significance.